The following is an entry in ClinVar:

ClinVar aggregate classification (germline): Uncertain significance. Review status: criteria provided, multiple submitters, no conflicts (2 of 4 stars). 2 submissions from 2 submitters: Uncertain significance (2). Last evaluated 2026-02-20.

Conditions:
Cardiomyopathy (CMYO). Also called: Cardiomyopathies. Identifiers: Orphanet 167848, MedGen C0878544, MONDO:0004994, HP:0001638. Inheritance: Various modes of inheritance.
Cardiovascular phenotype. Identifiers: MedGen CN230736.

gnomAD v4.1: 1 of 1,613,634 alleles (0.000062%); highest among the groups gnomAD compares: East Asian, 0.0022%; no homozygotes.

Submissions (2):

Ambry Genetics
Classification: Uncertain significance for Cardiovascular phenotype. Last evaluated: 2026-02-20. Review status: criteria provided, single submitter. Criteria: Ambry Variant Classification Scheme 2023. Collection method: clinical testing. Allele origin: germline.
Comment: The p.T830P variant (also known as c.2488A>C), located in coding exon 15 of the DSC2 gene, results from an A to C substitution at nucleotide position 2488. The threonine at codon 830 is replaced by proline, an amino acid with highly similar properties. This amino acid position is well conserved in available vertebrate species. In addition, the in silico prediction for this alteration is inconclusive. Based on the available evidence, the clinical significance of this variant remains unclear.

Color Diagnostics, LLC DBA Color Health
Classification: Uncertain significance for Cardiomyopathy. Last evaluated: 2025-06-10. Review status: criteria provided, single submitter. Criteria: ACMG Guidelines, 2015. Collection method: clinical testing. Allele origin: germline.
Comment: This missense variant replaces threonine with proline at codon 830 of the DSC2 protein. Computational prediction is inconclusive regarding the impact of this variant on protein structure and function. To our knowledge, functional studies have not been reported for this variant. This variant has not been reported in individuals affected with DSC2-related disorders in the literature. This variant has been identified in 1/250682 chromosomes in the general population by the Genome Aggregation Database (gnomAD). The available evidence is insufficient to determine the role of this variant in disease conclusively. Therefore, this variant is classified as a Variant of Uncertain Significance.

NM_024422.6(DSC2):c.2488A>C (p.Thr830Pro)

Gene: DSC2 (desmocollin 2; minus strand). Cytogenetic location: 18q12.1.
Variant type: single nucleotide variant.
Coding change: c.2488A>C on transcript NM_024422.6 (MANE Select); coding-DNA position 2488, A replaced by C.
Protein change: p.Thr830Pro; replaces threonine 830 with proline.
Molecular consequence: missense variant.
Genome position (GRCh38, 1-based): chr18:31,068,914, T>G on the plus strand (A>C on the coding strand, the complement: DSC2 is on the minus strand). VCF-style: chr18-31068914-T-G. GRCh37 (hg19) VCF-style: chr18-28648880-T-G.
Other names: c.2059A>C, p.Thr687Pro (NM_001406506.1, NM_001406507.1); c.2488A>C, p.Thr830Pro (NM_004949.5); c.2488A>C (NM_024422.3); short protein forms T687P, T830P.
Identifiers: ClinVar variation 4756989 (VCV004756989.2).
Genomic context (GRCh38, chr18:31,068,914, plus strand): 5'-AAAATTAAAATAGATTTGTAGGCCACTTAGGAAAACTCACTTCACCAAGACGGGGCTGAG[T>G]AAAACTGTGCCACTCCGAGTAAGTGTATCTGCAGTTGTCCACCTCCGTGTGTCCTCCCCT-3'
Protein context (NP_077740.1, residues 820-840): RYTYSEWHSF[Thr830Pro]QPRLGEKVYL